The following is an entry in ClinVar:

ClinVar aggregate classification (germline): Pathogenic (0 of 4 stars; one submission).

Conditions:
Fanconi anemia complementation group A (FANCA). Also called: Fanconi anemia, group A; FANCA-Related Fanconi Anemia. Identifiers: Orphanet 84, MedGen C3469521, MONDO:0009215, OMIM 227650.

Submission:

Leiden Open Variation Database
Classification: Pathogenic for Fanconi anemia complementation group A. Last evaluated: 2020-02-28. Review status: no assertion criteria provided. Collection method: curation. Allele origin: germline. Affected: yes.
Comment: Curator: Arleen D. Auerbach. Submitter to LOVD: Arleen D. Auerbach.

Literature cited by the submitters: PubMed 25168418.

NC_000016.10:g.89807755_89816658del

Genes: FANCA (FA complementation group A; minus strand), LOC130059839 (ATAC-STARR-seq lymphoblastoid silent region 7925; plus strand), LOC112486223 (Sharpr-MPRA regulatory region 3988; plus strand). Cytogenetic location: 16q24.3.
Variant type: Deletion.
Genome position: GRCh38: chr16:89,807,755-89,816,658. GRCh37 (hg19): chr16:89,874,163-89,883,066.
Identifiers: ClinVar variation 974077 (VCV000974077.2), ClinGen allele CA1139664980.